The following is an entry in ClinVar:

NM_173477.5(USH1G):c.163G>C (p.Gly55Arg)

Gene: USH1G (USH1 protein network component sans; minus strand). Cytogenetic location: 17q25.1.
Variant type: single nucleotide variant.
Coding change: c.163G>C on transcript NM_173477.5 (MANE Select); coding-DNA position 163, G replaced by C.
Protein change: p.Gly55Arg; replaces glycine 55 with arginine.
Molecular consequence: missense variant. On other transcripts: 5 prime UTR variant (1).
Genome position (GRCh38, 1-based): chr17:74,922,911, C>G on the plus strand (G>C on the coding strand, the complement: USH1G is on the minus strand). VCF-style: chr17-74922911-C-G. GRCh37 (hg19) VCF-style: chr17-72919006-C-G.
Other names: c.163G>C (NM_173477.2); c.-94G>C (NM_001282489.3); short protein forms G55R.
Identifiers: ClinVar variation 1478810 (VCV001478810.7), dbSNP rs397517926, ClinGen allele CA400967775.

ClinVar aggregate classification (germline): Uncertain significance. Review status: criteria provided, multiple submitters, no conflicts (2 of 4 stars). 2 submissions from 2 submitters: Uncertain significance (2). Last evaluated 2024-06-30.

Conditions:
Inborn genetic diseases. Identifiers: MedGen C0950123, MeSH D030342.

Allele frequency attached by ClinVar (database versions not stated): gnomAD exomes 0.00001.

Submissions (2):

Ambry Genetics
Classification: Uncertain significance for Inborn genetic diseases. Last evaluated: 2024-06-30. Review status: criteria provided, single submitter. Criteria: Ambry Variant Classification Scheme 2023. Collection method: clinical testing. Allele origin: germline.

Labcorp Genetics (formerly Invitae), Labcorp
Classification: Uncertain significance. Last evaluated: 2022-04-03. Review status: criteria provided, single submitter. Criteria: Invitae Variant Classification Sherloc (09022015). Collection method: clinical testing. Allele origin: germline.
Comment: Algorithms developed to predict the effect of missense changes on protein structure and function are either unavailable or do not agree on the potential impact of this missense change (SIFT: "Not Available"; PolyPhen-2: "Benign"; Align-GVGD: "Not Available"). This sequence change replaces glycine, which is neutral and non-polar, with arginine, which is basic and polar, at codon 55 of the USH1G protein (p.Gly55Arg). This variant is present in population databases (no rsID available, gnomAD 0.009%). This variant has not been reported in the literature in individuals affected with USH1G-related conditions. Algorithms developed to predict the effect of sequence changes on RNA splicing suggest that this variant is not likely to affect RNA splicing. In summary, the available evidence is currently insufficient to determine the role of this variant in disease. Therefore, it has been classified as a Variant of Uncertain Significance.